The following is an entry in ClinVar:

ClinVar aggregate classification (germline): Conflicting classifications of pathogenicity. Review status: criteria provided, conflicting classifications (1 of 4 stars). 2 submissions from 2 submitters: Uncertain significance (1); Likely benign (1). Last evaluated 2023-03-23.

Conditions:
Hereditary cancer-predisposing syndrome. Also called: Hereditary Cancer Syndrome; Neoplastic Syndromes, Hereditary; Hereditary neoplastic syndrome; Tumor predisposition. Identifiers: Orphanet 140162, MedGen C0027672, MeSH D009386, MONDO:0015356.
Breast-ovarian cancer, familial, susceptibility to, 2 (BROVCA2). Also called: BRCA2 Hereditary Breast and Ovarian Cancer. Identifiers: Orphanet 145, MedGen C2675520, MONDO:0012933, OMIM 612555. Disease mechanism: loss of function.

Submissions (2):

University of Washington Department of Laboratory Medicine, University of Washington
Classification: Likely benign for Hereditary cancer-predisposing syndrome. Last evaluated: 2023-03-23. Review status: criteria provided, single submitter. Criteria: Dines et al. (Genet Med. 2020). Collection method: curation. Allele origin: germline.
Comment: Missense variant in a coldspot region where missense variants are very unlikely to be pathogenic (PMID:31911673).

BRCA2 exon 11 coldspot. Reclassification based on statistical prior probability.

Mendelics
Classification: Uncertain significance for Breast-ovarian cancer, familial, susceptibility to, 2. Last evaluated: 2019-05-28. Review status: criteria provided, single submitter. Criteria: Mendelics Assertion Criteria 2017. Collection method: clinical testing. Allele origin: unknown.

NM_000059.4(BRCA2):c.5791C>A (p.Gln1931Lys)

Gene: BRCA2 (BRCA2 DNA repair associated; plus strand). Cytogenetic location: 13q13.1.
Variant type: single nucleotide variant.
Coding change: c.5791C>A on transcript NM_000059.4 (MANE Select); coding-DNA position 5791, C replaced by A.
Protein change: p.Gln1931Lys; replaces glutamine 1931 with lysine.
Molecular consequence: missense variant.
Genome position (GRCh38, 1-based): chr13:32,340,146, C>A. VCF-style: chr13-32340146-C-A. GRCh37 (hg19) VCF-style: chr13-32914283-C-A.
Other names: short protein forms Q1931K.
Identifiers: ClinVar variation 802935 (VCV000802935.3), dbSNP rs80358807, ClinGen allele CA387787174.